The following is an entry in ClinVar:

ClinVar aggregate classification (germline): Uncertain significance (1 of 4 stars; one submission).

Conditions:
Hyperphosphatasia with intellectual disability syndrome 5 (GPIBD11). Also called: GLYCOSYLPHOSPHATIDYLINOSITOL BIOSYNTHESIS DEFECT 11. Identifiers: Orphanet 247262, MedGen C4014958, MONDO:0014457, OMIM 616025.

Submission:

Labcorp Genetics (formerly Invitae), Labcorp
Classification: Uncertain significance for Hyperphosphatasia with intellectual disability syndrome 5. Last evaluated: 2021-10-22. Review status: criteria provided, single submitter. Criteria: Invitae Variant Classification Sherloc (09022015). Collection method: clinical testing. Allele origin: germline.
Comment: In summary, the available evidence is currently insufficient to determine the role of this variant in disease. Therefore, it has been classified as a Variant of Uncertain Significance. Algorithms developed to predict the effect of missense changes on protein structure and function are either unavailable or do not agree on the potential impact of this missense change (SIFT: "Tolerated"; PolyPhen-2: "Possibly Damaging"; Align-GVGD: "Class C0"). This variant has not been reported in the literature in individuals affected with PIGW-related conditions. This variant is not present in population databases (ExAC no frequency). This sequence change replaces glycine with glutamic acid at codon 177 of the PIGW protein (p.Gly177Glu). The glycine residue is weakly conserved and there is a moderate physicochemical difference between glycine and glutamic acid.

NM_001346754.2(PIGW):c.530G>A (p.Gly177Glu)

Genes: MYO19 (myosin XIX; minus strand), PIGW (phosphatidylinositol glycan anchor biosynthesis class W; plus strand). Cytogenetic location: 17q12.
Variant type: single nucleotide variant.
Coding change: c.530G>A on transcript NM_001346754.2 (MANE Select); coding-DNA position 530, G replaced by A.
Protein change: p.Gly177Glu; replaces glycine 177 with glutamic acid.
Molecular consequence: missense variant.
Genome position (GRCh38, 1-based): chr17:36,537,631, G>A. VCF-style: chr17-36537631-G-A. GRCh37 (hg19) VCF-style: chr17-34893480-G-A.
Other names: c.530G>A, p.Gly177Glu (NM_001346755.2, NM_178517.5); short protein forms G177E.
Identifiers: ClinVar variation 1481005 (VCV001481005.6), dbSNP rs2142616545, ClinGen allele CA399162874.